The following is an entry in ClinVar:

NM_005751.5(AKAP9):c.11030A>C (p.Lys3677Thr)

Gene: AKAP9 (A-kinase anchoring protein 9; plus strand). Cytogenetic location: 7q21.2.
Variant type: single nucleotide variant.
Coding change: c.11030A>C on transcript NM_005751.5 (MANE Select); coding-DNA position 11030, A replaced by C.
Protein change: p.Lys3677Thr; replaces lysine 3677 with threonine.
Molecular consequence: missense variant.
Genome position (GRCh38, 1-based): chr7:92,100,989, A>C. VCF-style: chr7-92100989-A-C. GRCh37 (hg19) VCF-style: chr7-91730303-A-C.
Other names: c.5675A>C, p.Lys1892Thr (NM_001379277.1); c.11006A>C, p.Lys3669Thr (NM_147185.3); short protein forms K3677T, K1892T, K3669T.
Identifiers: ClinVar variation 3516269 (VCV003516269.1).

ClinVar aggregate classification (germline): Uncertain significance (1 of 4 stars; one submission).

Conditions:
Cardiovascular phenotype. Identifiers: MedGen CN230736.

Submission:

Ambry Genetics
Classification: Uncertain significance for Cardiovascular phenotype. Last evaluated: 2024-08-04. Review status: criteria provided, single submitter. Criteria: Ambry Variant Classification Scheme 2023. Collection method: clinical testing. Allele origin: germline.
Comment: The p.K3677T variant (also known as c.11030A>C), located in coding exon 45 of the AKAP9 gene, results from an A to C substitution at nucleotide position 11030. The lysine at codon 3677 is replaced by threonine, an amino acid with similar properties. This amino acid position is conserved. In addition, this alteration is predicted to be tolerated by in silico analysis. Based on the available evidence, the clinical significance of this variant remains unclear.